The following is an entry in ClinVar:

ClinVar aggregate classification (germline): Uncertain significance (1 of 4 stars; one submission).

Conditions:
Zellweger spectrum disorders (ZS). Also called: Zellweger Spectrum Disorder; Zellweger Spectrum; Zellweger Spectrum Disorder (ZSD); Zellweger syndrome. Identifiers: Orphanet 912, MedGen C0043459, MONDO:0019609.

Allele frequency attached by ClinVar (database versions not stated): TOPMed below 0.00001.

Submission:

Labcorp Genetics (formerly Invitae), Labcorp
Classification: Uncertain significance for Zellweger spectrum disorders. Last evaluated: 2022-09-01. Review status: criteria provided, single submitter. Criteria: Invitae Variant Classification Sherloc (09022015). Collection method: clinical testing. Allele origin: germline.
Comment: This sequence change replaces serine, which is neutral and polar, with glycine, which is neutral and non-polar, at codon 201 of the PEX1 protein (p.Ser201Gly). This variant is not present in population databases (gnomAD no frequency). This variant has not been reported in the literature in individuals affected with PEX1-related conditions. Advanced modeling of protein sequence and biophysical properties (such as structural, functional, and spatial information, amino acid conservation, physicochemical variation, residue mobility, and thermodynamic stability) performed at Invitae indicates that this missense variant is not expected to disrupt PEX1 protein function. In summary, the available evidence is currently insufficient to determine the role of this variant in disease. Therefore, it has been classified as a Variant of Uncertain Significance.

NM_000466.3(PEX1):c.601A>G (p.Ser201Gly)

Gene: PEX1 (peroxisomal biogenesis factor 1; minus strand). Cytogenetic location: 7q21.2.
Variant type: single nucleotide variant.
Coding change: c.601A>G on transcript NM_000466.3 (MANE Select); coding-DNA position 601, A replaced by G.
Protein change: p.Ser201Gly; replaces serine 201 with glycine.
Molecular consequence: missense variant. On other transcripts: 5 prime UTR variant (1).
Genome position (GRCh38, 1-based): chr7:92,517,914, T>C on the plus strand (A>G on the coding strand, the complement: PEX1 is on the minus strand). VCF-style: chr7-92517914-T-C. GRCh37 (hg19) VCF-style: chr7-92147228-T-C.
Other names: c.601A>G, p.Ser201Gly (NM_001282677.2); c.-24A>G (NM_001282678.2); short protein forms S201G.
Identifiers: ClinVar variation 1895749 (VCV001895749.2), dbSNP rs966915488, ClinGen allele CA161973834.